The following is an entry in ClinVar:

ClinVar aggregate classification (germline): Uncertain significance (1 of 4 stars; one submission).

Conditions:
Predisposition to invasive fungal disease due to CARD9 deficiency (IMD103). Also called: IMMUNODEFICIENCY 103, SUSCEPTIBILITY TO FUNGAL INFECTIONS; Candidiasis, familial, 2, autosomal recessive; CARD9 IMMUNODEFICIENCY. Identifiers: Orphanet 457088, MedGen C1859353, MONDO:0008905, OMIM 212050.

Allele frequency attached by ClinVar (database versions not stated): gnomAD exomes below 0.00001.
gnomAD v4.1: 3 of 1,612,784 alleles (0.00019%); highest among the groups gnomAD compares: Non-Finnish European, 0.00017%; no homozygotes.

Submission:

Labcorp Genetics (formerly Invitae), Labcorp
Classification: Uncertain significance for Predisposition to invasive fungal disease due to CARD9 deficiency. Last evaluated: 2019-02-03. Review status: criteria provided, single submitter. Criteria: Invitae Variant Classification Sherloc (09022015). Collection method: clinical testing. Allele origin: germline.
Comment: In summary, the available evidence is currently insufficient to determine the role of this variant in disease. Therefore, it has been classified as a Variant of Uncertain Significance. Algorithms developed to predict the effect of missense changes on protein structure and function are either unavailable or do not agree on the potential impact of this missense change (SIFT: "Deleterious"; PolyPhen-2: "Benign"; Align-GVGD: "Class C55"). This sequence change replaces phenylalanine with serine at codon 17 of the CARD9 protein (p.Phe17Ser). The phenylalanine residue is highly conserved and there is a large physicochemical difference between phenylalanine and serine. This variant is not present in population databases (ExAC no frequency). This variant has not been reported in the literature in individuals with CARD9-related conditions.

NM_052813.5(CARD9):c.50T>C (p.Phe17Ser)

Gene: CARD9 (caspase recruitment domain family member 9; minus strand). Cytogenetic location: 9q34.3.
Variant type: single nucleotide variant.
Coding change: c.50T>C on transcript NM_052813.5 (MANE Select); coding-DNA position 50, T replaced by C.
Protein change: p.Phe17Ser; replaces phenylalanine 17 with serine.
Molecular consequence: missense variant.
Genome position (GRCh38, 1-based): chr9:136,372,029, A>G on the plus strand (T>C on the coding strand, the complement: CARD9 is on the minus strand). VCF-style: chr9-136372029-A-G. GRCh37 (hg19) VCF-style: chr9-139266481-A-G.
Other names: c.50T>C, p.Phe17Ser (NM_052814.4); short protein forms F17S.
Identifiers: ClinVar variation 854397 (VCV000854397.10), dbSNP rs1833288953, ClinGen allele CA375546509.